The following is an entry in ClinVar:

ClinVar aggregate classification (germline): Conflicting classifications of pathogenicity. Review status: criteria provided, conflicting classifications (1 of 4 stars). 3 submissions from 3 submitters: Likely pathogenic (2); Uncertain significance (1). Last evaluated 2025-01-20.

Conditions:
Skeletal dysplasia. Also called: Primary bone dysplasia. Identifiers: Orphanet 364526, MedGen C0410528, MONDO:0018230, HP:0002652.
Chondrodysplasia. Identifiers: MedGen C0343284, MONDO:0022723.
KIF5B-related skeletal dysplasia.

Submissions (3):

Diagnostics Services (NGS), CSIR - Centre For Cellular And Molecular Biology
Classification: Uncertain significance for KIF5B-related skeletal dysplasia. Last evaluated: 2025-01-20. Review status: criteria provided, single submitter. Criteria: ACMG Guidelines, 2015. Collection method: clinical testing. Allele origin: unknown. Affected: yes. Observed: 1 variant allele, 1 heterozygote.
Comment: Heterozygous variants in the KIF5B gene (MIM*602809) have recently been reported in literature to cause autosomal dominant kyphomelic dysplasia which is a heterogeneous group of skeletal dysplasias characterized by severe bowing of the limbs associated with other variable findings, such as narrow thorax and abnormal facies [PMID: 35342932]. The c.273G>T variant is not present in publicly available population databases like 1000 Genomes, EVS, gnomAD, Indian Exome Database or our internal database. This variant has neither been reported in the literature in individuals affected with KIF5B-related conditions nor reported to clinical databases like Human Genome Mutation Database (HGMD), ClinVar or OMIM, in any affected individuals. In-silico pathogenicity prediction programs like SIFT, Polyphen-2, MutationTaster2021, CADD, etc predicted this variant to be likely deleterious, however these predictions were not confirmed by published functional studies. A different amino acid change in the same codon (Lys91Arg) has been previously observed in affected individual(s) and reported in literature [PMID: 35342932].

Department of Medical Genetics, Sanjay Gandhi Post Graduate Institute of Medical Sciences
Classification: Likely pathogenic for Skeletal dysplasia. Last evaluated: 2023-02-02. Review status: criteria provided, single submitter. Criteria: ACMG Guidelines, 2015. Collection method: research. Allele origin: germline. Inheritance: Autosomal dominant inheritance with maternal imprinting. Affected: yes. Observed: 1 heterozygote.
Comment: This variant has not been previously reported in any database. It is a missense variant in the KIF5B gene, located in exon 3: c.273G>T, resulting in an amino acid substitution of lysine to asparagine at position 91 (p.Lys91Asn). According to ACMG guidelines, this variant is classified as likely pathogenic with the following criteria: PM2, PP3, and PP1.

AURAGEN, Plan France Médecine Génomique
Classification: Likely pathogenic for Chondrodysplasia. Last evaluated: 2022-01-07. Review status: criteria provided, single submitter. Criteria: PFMG2025 (Lancet Reg Health Eur. 2025). Collection method: clinical testing. Allele origin: germline. Affected: yes.

Literature cited by the submitters: PubMed 35342932 (cited by Diagnostics Services (NGS), CSIR - Centre For Cellular And Molecular Biology and Department of Medical Genetics, Sanjay Gandhi Post Graduate Institute of Medical Sciences).

NM_004521.3(KIF5B):c.273G>T (p.Lys91Asn)

Gene: KIF5B (kinesin family member 5B; minus strand). Cytogenetic location: 10p11.22.
Variant type: single nucleotide variant.
Coding change: c.273G>T on transcript NM_004521.3 (MANE Select); coding-DNA position 273, G replaced by T.
Protein change: p.Lys91Asn; replaces lysine 91 with asparagine.
Molecular consequence: missense variant.
Genome position (GRCh38, 1-based): chr10:32,040,399, C>A on the plus strand (G>T on the coding strand, the complement: KIF5B is on the minus strand). VCF-style: chr10-32040399-C-A. GRCh37 (hg19) VCF-style: chr10-32329327-C-A.
Other names: short protein forms K91N.
Identifiers: ClinVar variation 3767953 (VCV003767953.2).